The following is an entry in ClinVar:

ClinVar aggregate classification (germline): Uncertain significance (1 of 4 stars; one submission).

Conditions:
Inborn genetic diseases. Identifiers: MedGen C0950123, MeSH D030342.

Submission:

Ambry Genetics
Classification: Uncertain significance for Inborn genetic diseases. Last evaluated: 2024-10-06. Review status: criteria provided, single submitter. Criteria: Ambry Variant Classification Scheme 2023. Collection method: clinical testing. Allele origin: germline.
Comment: The p.C2458G variant (also known as c.7372T>G), located in coding exon 44 of the ATR gene, results from a T to G substitution at nucleotide position 7372. The cysteine at codon 2458 is replaced by glycine, an amino acid with highly dissimilar properties. This amino acid position is conserved. In addition, the in silico prediction for this alteration is inconclusive. Based on the available evidence, the clinical significance of this variant remains unclear.

NM_001184.4(ATR):c.7372T>G (p.Cys2458Gly)

Gene: ATR (ATR serine/threonine kinase; minus strand). Cytogenetic location: 3q23.
Variant type: single nucleotide variant.
Coding change: c.7372T>G on transcript NM_001184.4 (MANE Select); coding-DNA position 7372, T replaced by G.
Protein change: p.Cys2458Gly; replaces cysteine 2458 with glycine.
Molecular consequence: missense variant.
Genome position (GRCh38, 1-based): chr3:142,459,089, A>C on the plus strand (T>G on the coding strand, the complement: ATR is on the minus strand). VCF-style: chr3-142459089-A-C. GRCh37 (hg19) VCF-style: chr3-142177931-A-C.
Other names: c.7180T>G, p.Cys2394Gly (NM_001354579.2); short protein forms C2394G, C2458G.
Identifiers: ClinVar variation 3460993 (VCV003460993.1).